The following is an entry in ClinVar:

NM_018089.3(ANKZF1):c.467G>A (p.Arg156Gln)

Gene: ANKZF1 (ankyrin repeat and zinc finger peptidyl tRNA hydrolase 1; plus strand). Cytogenetic location: 2q35.
Variant type: single nucleotide variant.
Coding change: c.467G>A on transcript NM_018089.3 (MANE Select); coding-DNA position 467, G replaced by A.
Protein change: p.Arg156Gln; replaces arginine 156 with glutamine.
Molecular consequence: missense variant. On other transcripts: 5 prime UTR variant (1).
Genome position (GRCh38, 1-based): chr2:219,232,592, G>A. VCF-style: chr2-219232592-G-A. GRCh37 (hg19) VCF-style: chr2-220097314-G-A.
Other names: c.467G>A, p.Arg156Gln (NM_001042410.2); c.-164G>A (NM_001282792.2); short protein forms R156Q.
Identifiers: ClinVar variation 2470618 (VCV002470618.5), dbSNP rs373389031, ClinGen allele CA2120758.

ClinVar aggregate classification (germline): Conflicting classifications of pathogenicity. Review status: criteria provided, conflicting classifications (1 of 4 stars). 2 submissions from 2 submitters: Uncertain significance (1); Likely benign (1). Last evaluated 2024-02-07.

Allele frequency attached by ClinVar (database versions not stated): ExAC 0.00003; gnomAD 0.00003; TOPMed 0.00005; 1000 Genomes Project 30x 0.00016; ESP Exome Variant Server 0.00017.
gnomAD v4.1: 70 of 1,614,172 alleles (0.0043%); highest among the groups gnomAD compares: South Asian, 0.0055%; no homozygotes.

Submissions (2):

Labcorp Genetics (formerly Invitae), Labcorp
Classification: Uncertain significance. Last evaluated: 2024-02-07. Review status: criteria provided, single submitter. Criteria: Invitae Variant Classification Sherloc (09022015). Collection method: clinical testing. Allele origin: germline.
Comment: This sequence change replaces arginine, which is basic and polar, with glutamine, which is neutral and polar, at codon 156 of the ANKZF1 protein (p.Arg156Gln). This variant is present in population databases (rs373389031, gnomAD 0.007%). This variant has not been reported in the literature in individuals affected with ANKZF1-related conditions. ClinVar contains an entry for this variant (Variation ID: 2470618). Algorithms developed to predict the effect of missense changes on protein structure and function output the following: SIFT: "Not Available"; PolyPhen-2: "Benign"; Align-GVGD: "Not Available". The glutamine amino acid residue is found in multiple mammalian species, which suggests that this missense change does not adversely affect protein function. In summary, the available evidence is currently insufficient to determine the role of this variant in disease. Therefore, it has been classified as a Variant of Uncertain Significance.

Ambry Genetics
Classification: Likely benign. Last evaluated: 2023-02-16. Review status: criteria provided, single submitter. Criteria: Ambry Variant Classification Scheme 2023. Collection method: clinical testing. Allele origin: germline.